The following is an entry in ClinVar:

ClinVar aggregate classification (germline): Uncertain significance. Review status: criteria provided, multiple submitters, no conflicts (2 of 4 stars). 5 submissions from 5 submitters: Uncertain significance (5). Last evaluated 2025-10-07.

Conditions:
Hereditary cancer-predisposing syndrome. Also called: Hereditary neoplastic syndrome; Hereditary Cancer Syndrome; Neoplastic Syndromes, Hereditary; Tumor predisposition. Identifiers: Orphanet 140162, MedGen C0027672, MeSH D009386, MONDO:0015356.
Von Hippel-Lindau syndrome (VHLS). Also called: Von Hippel-Lindau; von Hippel–Lindau syndrome; VHL syndrome. Identifiers: Orphanet 892, MedGen C0019562, MONDO:0008667, OMIM 193300. Disease mechanism: loss of function.
Chuvash polycythemia. Also called: POLYCYTHEMIA, VHL-DEPENDENT. Identifiers: Orphanet 238557, MedGen C1837915, MONDO:0009892, OMIM 263400.

Allele frequency attached by ClinVar (database versions not stated): gnomAD 0.00001.
gnomAD v4.1: 3 of 1,553,810 alleles (0.00019%); highest among the groups gnomAD compares: Non-Finnish European, 0.00026%; no homozygotes.

Submissions (5):

Labcorp Genetics (formerly Invitae), Labcorp
Classification: Uncertain significance for Von Hippel-Lindau syndrome; Chuvash polycythemia. Last evaluated: 2025-10-07. Review status: criteria provided, single submitter. Criteria: Invitae Variant Classification Sherloc (09022015). Collection method: clinical testing. Allele origin: germline.
Comment: This sequence change replaces proline, which is neutral and non-polar, with serine, which is neutral and polar, at codon 40 of the VHL protein (p.Pro40Ser). This variant is present in population databases (no rsID available, gnomAD 0.007%). This variant has not been reported in the literature in individuals affected with VHL-related conditions. ClinVar contains an entry for this variant (Variation ID: 1373310). Invitae Evidence Modeling of protein sequence and biophysical properties (such as structural, functional, and spatial information, amino acid conservation, physicochemical variation, residue mobility, and thermodynamic stability) indicates that this missense variant is not expected to disrupt VHL protein function with a negative predictive value of 95%. In summary, the available evidence is currently insufficient to determine the role of this variant in disease. Therefore, it has been classified as a Variant of Uncertain Significance.

GeneDx
Classification: Uncertain significance. Last evaluated: 2025-06-18. Review status: criteria provided, single submitter. Criteria: GeneDx Variant Classification Process June 2021. Collection method: clinical testing. Allele origin: germline. Affected: yes.
Comment: Not observed at significant frequency in large population cohorts (gnomAD); In silico analysis suggests that this missense variant does not alter protein structure/function; This variant is associated with the following publications: (PMID: 35534704)

Baylor Genetics
Classification: Uncertain significance for Chuvash polycythemia. Last evaluated: 2024-01-08. Review status: criteria provided, single submitter. Criteria: ACMG Guidelines, 2015. Collection method: clinical testing. Allele origin: unknown.

Ambry Genetics
Classification: Uncertain significance for Hereditary cancer-predisposing syndrome. Last evaluated: 2023-11-16. Review status: criteria provided, single submitter. Criteria: Ambry Variant Classification Scheme 2023. Collection method: clinical testing. Allele origin: germline.
Comment: The p.P40S variant (also known as c.118C>T), located in coding exon 1 of the VHL gene, results from a C to T substitution at nucleotide position 118. The proline at codon 40 is replaced by serine, an amino acid with similar properties. This amino acid position is not well conserved in available vertebrate species. In addition, this alteration is predicted to be tolerated by in silico analysis. Since supporting evidence is limited at this time, the clinical significance of this alteration remains unclear.

All of Us Research Program, National Institutes of Health
Classification: Uncertain significance for Von Hippel-Lindau syndrome. Last evaluated: 2023-06-26. Review status: criteria provided, single submitter. Criteria: ACMG Guidelines, 2015. Collection method: clinical testing. Allele origin: germline. Inheritance: Autosomal dominant inheritance. Observed: 1 variant allele, 1 heterozygote.
Comment: This missense variant replaces proline with serine at codon 40 of the VHL protein. Computational prediction suggests that this variant may not impact protein structure and function (internally defined REVEL score threshold <= 0.5, PMID: 27666373). To our knowledge, functional studies have not been reported for this variant. This variant has not been reported as a germline variant in individuals affected with VHL-related disorders in the literature. This variant has been identified in 1/31344 chromosomes in the general population by the Genome Aggregation Database (gnomAD). The available evidence is insufficient to determine the role of this variant in disease conclusively. Therefore, this variant is classified as a Variant of Uncertain Significance.

This study involves interpretation of variants in research participants for the purpose of population health screening. Participant phenotype was not available at the time of variant classification. Additional details can be found in publication PMID: 35346344, PMCID: PMC8962531

NM_000551.4(VHL):c.118C>T (p.Pro40Ser)

Gene: VHL (von Hippel-Lindau tumor suppressor; plus strand). Cytogenetic location: 3p25.3.
Variant type: single nucleotide variant.
Coding change: c.118C>T on transcript NM_000551.4 (MANE Select); coding-DNA position 118, C replaced by T.
Protein change: p.Pro40Ser; replaces proline 40 with serine.
Molecular consequence: missense variant.
Genome position (GRCh38, 1-based): chr3:10,141,965, C>T. VCF-style: chr3-10141965-C-T. GRCh37 (hg19) VCF-style: chr3-10183649-C-T.
Other names: c.118C>T (NM_000551.3); c.118C>T, p.Pro40Ser (NM_001354723.2, NM_198156.3); short protein forms P40S.
Identifiers: ClinVar variation 1373310 (VCV001373310.10), dbSNP rs776399733, ClinGen allele CA351747893.